The following is an entry in ClinVar:

ClinVar aggregate classification (germline): Uncertain significance. Review status: criteria provided, multiple submitters, no conflicts (2 of 4 stars). 2 submissions from 2 submitters: Uncertain significance (2). Last evaluated 2023-06-19.

Conditions:
Primary dilated cardiomyopathy (DCM). Also called: Dilated Cardiomyopathy. Identifiers: Orphanet 217604, MedGen C0007193, MeSH D002311, MONDO:0005021, HP:0001644. Inheritance: Various modes of inheritance.
NEBL-related disorder. Also called: NEBL-related condition.

Submissions (2):

PreventionGenetics, part of Exact Sciences
Classification: Uncertain significance for NEBL-related condition. Last evaluated: 2023-06-19. Review status: criteria provided, single submitter. Criteria: ACMG Guidelines, 2015. Collection method: clinical testing. Allele origin: germline.
Comment: The NEBL c.242delG variant is predicted to result in a frameshift and premature protein termination (p.Gly81Valfs*62). To our knowledge, this variant has not been reported in the literature. This variant is reported in 0.011% of alleles in individuals of African descent in gnomAD. At this time, the clinical significance of this variant is uncertain due to the absence of conclusive functional and genetic evidence.

Labcorp Genetics (formerly Invitae), Labcorp
Classification: Uncertain significance for Primary dilated cardiomyopathy. Last evaluated: 2022-03-28. Review status: criteria provided, single submitter. Criteria: Invitae Variant Classification Sherloc (09022015). Collection method: clinical testing. Allele origin: germline.
Comment: This sequence change creates a premature translational stop signal (p.Gly81Valfs*62) in the NEBL gene. It is expected to result in an absent or disrupted protein product. However, the current clinical and genetic evidence is not sufficient to establish whether loss-of-function variants in NEBL cause disease. This variant is present in population databases (rs796086455, gnomAD 0.01%). This variant has not been reported in the literature in individuals affected with NEBL-related conditions. In summary, the available evidence is currently insufficient to determine the role of this variant in disease. Therefore, it has been classified as a Variant of Uncertain Significance.

NM_006393.3(NEBL):c.242del (p.Gly81fs)

Gene: NEBL (nebulette; minus strand). Cytogenetic location: 10p12.31.
Variant type: Deletion.
Coding change: c.242del on transcript NM_006393.3 (MANE Select); coding-DNA position 242, one base deleted (G; older notation c.242delG).
Protein change: p.Gly81fs; shifts the reading frame from glycine 81.
Molecular consequence: frameshift variant. On other transcripts: intron variant (9).
Genome position (GRCh38, 1-based): chr10:20,889,861, C deleted on the plus strand (G on the coding strand, the reverse complement: NEBL is on the minus strand); the first of 2 consecutive C bases (chr10:20,889,861-20,889,862); deleting either gives the same sequence. VCF-style (leftmost placement, unchanged base first): chr10-20889860-AC-A. GRCh37 (hg19) VCF-style: chr10-21178789-AC-A.
Other names: c.242delG (NM_006393.2); c.249+71811del (NM_001377326.1, NM_001377327.1, NM_001377328.1); c.357+71811del (NM_213569.2, NM_001173484.2, NM_001377322.1); c.300+71811del (NM_001377324.1); c.291+71811del (NM_001377325.1); c.309+71811del (NM_001377323.1); short protein forms G81fs.
Identifiers: ClinVar variation 2182745 (VCV002182745.5), dbSNP rs796086455, ClinGen allele CA204172991.